The following is an entry in ClinVar:

ClinVar aggregate classification (germline): Likely pathogenic (1 of 4 stars; one submission).

Conditions:
X-linked BCOR-related disorders.

Submission:

Variantyx, Inc.
Classification: Likely pathogenic for X-linked BCOR-related disorders. Last evaluated: 2025-07-22. Review status: criteria provided, single submitter. Criteria: Variantyx Assertion Criteria 2022. Collection method: clinical testing. Allele origin: maternal. Inheritance: X-linked dominant inheritance. Affected: yes.
Comment: This is a frameshift variant in the BCOR gene (OMIM: 300485). Pathogenic variants in this gene have been associated with X-linked BCOR-related disorders. This variant introduces a premature termination codon in exon 7 out of 15 and is expected to result in loss of function, which is a known disease mechanism for BCOR in this disorder (PMID: 19367324) (PVS1). This variant is absent from control populations (PM2). Based on the current evidence, this variant is classified as likely pathogenic for X-linked BCOR-related disorders.

Literature cited by the submitters: PubMed 19367324.

NM_001123385.2(BCOR):c.3394del (p.Val1132fs)

Gene: BCOR (BCL6 corepressor; minus strand). Cytogenetic location: Xp11.4.
Variant type: Deletion.
Coding change: c.3394del on transcript NM_001123385.2 (MANE Select); coding-DNA position 3394, one base deleted (G; older notation c.3394delG).
Protein change: p.Val1132fs; shifts the reading frame from valine 1132.
Molecular consequence: frameshift variant.
Genome position (GRCh38, 1-based): chrX:40,064,444, C deleted on the plus strand (G on the coding strand, the reverse complement: BCOR is on the minus strand); the first of 3 consecutive C bases (chrX:40,064,444-40,064,446); deleting any one gives the same sequence. VCF-style (leftmost placement, unchanged base first): chrX-40064443-AC-A. GRCh37 (hg19) VCF-style: chrX-39923696-AC-A.
Other names: c.3394del, p.Val1132fs (NM_001123383.2, NM_001437510.1, NM_001437511.1 and 2 more transcripts); c.3340del, p.Val1114fs (NM_001123384.2, NM_001438207.1); short protein forms V1114fs, V1132fs.
Identifiers: ClinVar variation 4813725 (VCV004813725.1).